The following is an entry in ClinVar:

ClinVar aggregate classification (germline): Benign. Review status: criteria provided, multiple submitters, no conflicts (2 of 4 stars). 5 submissions from 5 submitters: Benign (4). 1 of the submissions does not count toward it. Last evaluated 2026-09-01.

Conditions:
LAMB1-related disorder. Also called: LAMB1-related condition.

Allele frequency attached by ClinVar (database versions not stated): 1000 Genomes Project 0.00280; 1000 Genomes Project 30x 0.00312; TOPMed 0.00733; ESP Exome Variant Server 0.00823.
gnomAD v4.1: 17,000 of 1,613,992 alleles (1.1%); highest among the groups gnomAD compares: Non-Finnish European, 1.3%; 102 homozygotes.

Submissions (5):

CeGaT Center for Human Genetics Tuebingen
Classification: Benign. Last evaluated: 2026-09-01. Review status: criteria provided, single submitter. Criteria: CeGaT Center For Human Genetics Tuebingen Variant Classification Criteria Version 2. Collection method: clinical testing. Allele origin: germline. Affected: yes. Observed: 12 variant alleles.
Comment: LAMB1: BP4, BP7, BS1, BS2

Labcorp Genetics (formerly Invitae), Labcorp
Classification: Benign. Last evaluated: 2026-01-19. Review status: criteria provided, single submitter. Criteria: Invitae Variant Classification Sherloc (09022015). Collection method: clinical testing. Allele origin: germline.

GeneDx
Classification: Benign. Last evaluated: 2016-04-28. Review status: criteria provided, single submitter. Criteria: GeneDx Variant Classification (06012015). Collection method: clinical testing. Allele origin: germline. Affected: yes.
Comment: This variant is considered likely benign or benign based on one or more of the following criteria: it is a conservative change, it occurs at a poorly conserved position in the protein, it is predicted to be benign by multiple in silico algorithms, and/or has population frequency not consistent with disease.

Breakthrough Genomics
Classification: Benign. Review status: criteria provided, single submitter. Criteria: ACMG Guidelines, 2015. Collection method: not provided. Allele origin: germline. Inheritance: Autosomal recessive inheritance. Affected: yes.

PreventionGenetics, part of Exact Sciences
Classification: Benign for LAMB1-related condition. Last evaluated: 2019-07-15. Review status: no assertion criteria provided. Collection method: clinical testing. Allele origin: germline. Not counted in ClinVar's aggregate classification.
Comment: This variant is classified as benign based on ACMG/AMP sequence variant interpretation guidelines (Richards et al. 2015 PMID: 25741868, with internal and published modifications).

NM_002291.3(LAMB1):c.3300G>C (p.Thr1100=)

Gene: LAMB1 (laminin subunit beta 1; minus strand). Cytogenetic location: 7q31.1.
Variant type: single nucleotide variant.
Coding change: c.3300G>C on transcript NM_002291.3 (MANE Select); coding-DNA position 3300, G replaced by C.
Protein change: p.Thr1100=; no amino-acid change (threonine 1100 retained).
Molecular consequence: synonymous variant.
Genome position (GRCh38, 1-based): chr7:107,951,317, C>G on the plus strand (G>C on the coding strand, the complement: LAMB1 is on the minus strand). VCF-style: chr7-107951317-C-G. GRCh37 (hg19) VCF-style: chr7-107591762-C-G.
Identifiers: ClinVar variation 382761 (VCV000382761.36), dbSNP rs139955747, ClinGen allele CA4435367.
Genomic context (GRCh38, chr7:107,951,317, plus strand): 5'-GAGTTCCTGGCACTCGCTGCAGGTGCGGCCTCCAAACCCAGGCATGCACTGGCACTGCCC[C>G]GTGAACTGCGGCCAGAACACAGACCTTGGTCAAGCAGGCTTCAGGCCAGAAGCCAGTTGT-3'
Protein context (NP_002282.2, residues 1090-1110): HSFGPSCNEF[Thr1100=]GQCQCMPGFG